The following is an entry in ClinVar:

ClinVar aggregate classification (germline): Uncertain significance. Review status: criteria provided, multiple submitters, no conflicts (2 of 4 stars). 2 submissions from 2 submitters: Uncertain significance (2). Last evaluated 2024-12-14.

Allele frequency attached by ClinVar (database versions not stated): gnomAD exomes below 0.00001; gnomAD 0.00002.
gnomAD v4.1: 3 of 1,209,699 alleles (0.00025%); highest among the groups gnomAD compares: African/African-American, 0.0035%; no homozygotes.

Submissions (2):

GeneDx
Classification: Uncertain significance. Last evaluated: 2024-12-14. Review status: criteria provided, single submitter. Criteria: GeneDx Variant Classification Process June 2021. Collection method: clinical testing. Allele origin: germline. Affected: yes.
Comment: Not observed at significant frequency in large population cohorts (gnomAD); In silico analysis indicates that this missense variant does not alter protein structure/function; Has not been previously published as pathogenic or benign to our knowledge

CeGaT Center for Human Genetics Tuebingen
Classification: Uncertain significance. Last evaluated: 2023-10-01. Review status: criteria provided, single submitter. Criteria: CeGaT Center For Human Genetics Tuebingen Variant Classification Criteria Version 2. Collection method: clinical testing. Allele origin: germline. Affected: yes. Observed: 3 variant alleles.
Comment: FRMPD4: PM2

NM_001368397.1(FRMPD4):c.2854G>A (p.Glu952Lys)

Gene: FRMPD4 (FERM and PDZ domain containing 4; plus strand). Cytogenetic location: Xp22.2.
Variant type: single nucleotide variant.
Coding change: c.2854G>A on transcript NM_001368397.1 (MANE Select); coding-DNA position 2854, G replaced by A.
Protein change: p.Glu952Lys; replaces glutamic acid 952 with lysine.
Molecular consequence: missense variant.
Genome position (GRCh38, 1-based): chrX:12,717,680, G>A. VCF-style: chrX-12717680-G-A. GRCh37 (hg19) VCF-style: chrX-12735799-G-A.
Other names: c.2965G>A, p.Glu989Lys (NM_001368395.3, NM_001368398.3); c.2860G>A, p.Glu954Lys (NM_001368396.3); c.2845G>A, p.Glu949Lys (NM_001368399.3); c.2734G>A, p.Glu912Lys (NM_001368400.3); c.2830G>A, p.Glu944Lys (NM_001368401.1, NM_001368402.3); c.2854G>A, p.Glu952Lys (NM_014728.3); short protein forms E912K, E944K, E949K, E952K, E954K, E989K.
Identifiers: ClinVar variation 2660009 (VCV002660009.24), dbSNP rs1348080573, ClinGen allele CA412315763.